The following is an entry in ClinVar:

NM_001127222.2(CACNA1A):c.6937CAG[16] (p.Gln2325_Ala2326insGlnGlnGln)

Genes: CACNA1A (calcium voltage-gated channel subunit alpha1 A; minus strand), LOC108663985 (calcium voltage-gated channel subunit alpha1 A repeat instability region; plus strand). Cytogenetic location: 19p13.13.
Variant type: Microsatellite.
Coding change: c.6937CAG[16] on transcript NM_001127222.2 (MANE Select); 16 copies in a row of the 3-base unit CAG starting at c.6937; the reference has 13 copies in a row; three copies, 9 bases duplicated.
Protein change: p.Gln2325_Ala2326insGlnGlnGln.
Molecular consequence: inframe insertion. On other transcripts: 3 prime UTR variant (3).
Genome position (GRCh38, 1-based): chr19:13,207,859-13,207,867, CTGCTGCTG duplicated on the plus strand (CAGCAGCAG on the coding strand, the reverse complement: CACNA1A is on the minus strand); duplicating any 9 consecutive bases within chr19:13,207,859-13,207,898 gives the same sequence; the position shown is the placement nearest the transcript's 3' end. VCF-style (leftmost placement, unchanged base first): chr19-13207858-C-CCTGCTGCTG. GRCh37 (hg19) VCF-style: chr19-13318672-C-CCTGCTGCTG.
Other names: c.*149CAG[16] (NM_000068.4, NM_001127221.2, NM_001174080.2); c.6955CAG[16], p.Gln2331_Ala2332insGlnGlnGln (NM_023035.3); c.6985_6993dup (NM_023035.3); c.6967_6975dup9 (NM_001127222.1).
Identifiers: ClinVar variation 1711464 (VCV001711464.34), dbSNP rs16054, ClinGen allele CA783409589.

ClinVar aggregate classification (germline): Conflicting classifications of pathogenicity. Review status: criteria provided, conflicting classifications (1 of 4 stars). 6 submissions from 6 submitters: Uncertain significance (2); Benign (1); Likely benign (3). Last evaluated 2026-09-01.

Conditions:
CACNA1A-related disorder. Also called: CACNA1A-related condition.
Spinocerebellar ataxia type 6 (SCA6). Identifiers: Orphanet 98758, MedGen C0752124, MONDO:0008457, OMIM 183086.

Submissions (6):

CeGaT Center for Human Genetics Tuebingen
Classification: Likely benign. Last evaluated: 2026-09-01. Review status: criteria provided, single submitter. Criteria: CeGaT Center For Human Genetics Tuebingen Variant Classification Criteria Version 2. Collection method: clinical testing. Allele origin: germline. Affected: yes. Observed: 16 variant alleles.
Comment: CACNA1A: BS1

PreventionGenetics, part of Exact Sciences
Classification: Likely benign for CACNA1A-related condition. Last evaluated: 2025-12-19. Review status: criteria provided, single submitter. Criteria: ACMG Guidelines, 2015. Collection method: clinical testing. Allele origin: germline.
Comment: This variant is classified as likely benign based on ACMG/AMP sequence variant interpretation guidelines (Richards et al. 2015 PMID: 25741868, with internal and published modifications).

Laboratory of Genetics, Children's Clinical University Hospital Latvia
Classification: Benign. Last evaluated: 2025-02-16. Review status: criteria provided, single submitter. Criteria: ACMG Guidelines, 2015. Collection method: clinical testing. Allele origin: germline. Affected: yes.

Genomic Medicine Center of Excellence, King Faisal Specialist Hospital and Research Centre
Classification: Uncertain significance for Spinocerebellar ataxia type 6. Last evaluated: 2024-12-18. Review status: criteria provided, single submitter. Criteria: ACMG Guidelines, 2015. Collection method: clinical testing. Allele origin: germline.

Blueprint Genetics
Classification: Likely benign. Last evaluated: 2024-09-30. Review status: criteria provided, single submitter. Criteria: ACMG Guidelines, 2015. Collection method: clinical testing. Allele origin: germline.

GeneDx
Classification: Uncertain significance. Last evaluated: 2024-01-16. Review status: criteria provided, single submitter. Criteria: GeneDx Variant Classification Process June 2021. Collection method: clinical testing. Allele origin: germline. Affected: yes.
Comment: Reported using an alternate transcript of the gene; Not observed at significant frequency in large population cohorts (gnomAD); In-frame duplication of 3 amino acids in a repetitive region with no known function; Has not been previously published as pathogenic or benign to our knowledge